The following is an entry in ClinVar:

ClinVar aggregate classification (germline): Pathogenic (1 of 4 stars; one submission).

Conditions:
Cardiovascular phenotype. Identifiers: MedGen CN230736.

Submission:

Ambry Genetics
Classification: Pathogenic for Cardiovascular phenotype. Last evaluated: 2025-08-07. Review status: criteria provided, single submitter. Criteria: Ambry Variant Classification Scheme 2023. Collection method: clinical testing. Allele origin: germline.
Comment: The c.2147_2151delACTTC pathogenic mutation, located in coding exon 1 of the ZNF469 gene, results from a deletion of 5 nucleotides at nucleotide positions 2147 to 2151, causing a translational frameshift with a predicted alternate stop codon (p.H716Lfs*20). This variant is considered to be rare based on population cohorts in the Genome Aggregation Database (gnomAD). This alteration is expected to result in loss of function by premature protein truncation or nonsense-mediated mRNA decay. As such, this alteration is interpreted as a disease-causing mutation.

NM_001127464.1:c.2147_2151delACTTC

Gene: ZNF469 (zinc finger protein 469; plus strand).
Variant type: Deletion.
Identifiers: ClinVar variation 4209178 (VCV004209178.1).